The following is an entry in ClinVar:

ClinVar aggregate classification (germline): Conflicting classifications of pathogenicity. Review status: criteria provided, conflicting classifications (1 of 4 stars). 2 submissions from 2 submitters: Likely pathogenic (1); Uncertain significance (1). Last evaluated 2024-02-14.

Conditions:
Microangiopathy and leukoencephalopathy, pontine, autosomal dominant. Also called: DEMENTIA, HEREDITARY MULTI-INFARCT, SWEDISH TYPE; Pontine autosomal dominant microangiopathy with leukoencephalopathy. Identifiers: Orphanet 477749, MedGen C5231411, MONDO:0032814, OMIM 618564.

Allele frequency attached by ClinVar (database versions not stated): ExAC 0.00001; TOPMed 0.00001.
gnomAD v4.1: 1 of 1,614,048 alleles (0.000062%); highest among the groups gnomAD compares: African/African-American, 0.0013%; no homozygotes.

Submissions (2):

Women's Health and Genetics/Laboratory Corporation of America, LabCorp
Classification: Uncertain significance. Last evaluated: 2024-02-14. Review status: criteria provided, single submitter. Criteria: LabCorp Variant Classification Summary - May 2015. Collection method: clinical testing. Allele origin: germline.
Comment: Variant summary: COL4A1 c.3515G>C (p.Gly1172Ala) results in a non-conservative amino acid change in the encoded protein sequence. Four of five in-silico tools predict a damaging effect of the variant on protein function. The variant allele was found at a frequency of 4e-06 in 251470 control chromosomes. The available data on variant occurrences in the general population are insufficient to allow any conclusion about variant significance. To our knowledge, no occurrence of c.3515G>C in individuals affected with Porencephaly 1 and no experimental evidence demonstrating its impact on protein function have been reported. ClinVar contains an entry for this variant (Variation ID: 1709372). Based on the evidence outlined above, the variant was classified as uncertain significance.

MGZ Medical Genetics Center
Classification: Likely pathogenic for Microangiopathy and leukoencephalopathy, pontine, autosomal dominant. Last evaluated: 2022-04-05. Review status: criteria provided, single submitter. Criteria: ACMG Guidelines, 2015. Collection method: clinical testing. Allele origin: germline. Affected: yes. Observed: 1 variant allele.
Comment: ACMG criteria applied: PM1_STR, PM2_SUP, PP3

NM_001845.6(COL4A1):c.3515G>C (p.Gly1172Ala)

Gene: COL4A1 (collagen type IV alpha 1 chain; minus strand). Cytogenetic location: 13q34.
Variant type: single nucleotide variant.
Coding change: c.3515G>C on transcript NM_001845.6 (MANE Select); coding-DNA position 3515, G replaced by C.
Protein change: p.Gly1172Ala; replaces glycine 1172 with alanine.
Molecular consequence: missense variant.
Genome position (GRCh38, 1-based): chr13:110,172,761, C>G on the plus strand (G>C on the coding strand, the complement: COL4A1 is on the minus strand). VCF-style: chr13-110172761-C-G. GRCh37 (hg19) VCF-style: chr13-110825108-C-G.
Other names: short protein forms G1172A.
Identifiers: ClinVar variation 1709372 (VCV001709372.4), dbSNP rs761190838, ClinGen allele CA7047226.